The following is an entry in ClinVar:

NM_000501.4(ELN):c.1358-226G>C

Gene: ELN (elastin; plus strand). Cytogenetic location: 7q11.23.
Variant type: single nucleotide variant.
Coding change: c.1358-226G>C on transcript NM_000501.4 (MANE Select); 226 bases into the intron before coding-DNA position 1358, G replaced by C.
Molecular consequence: intron variant. On other transcripts: missense variant (1).
Genome position (GRCh38, 1-based): chr7:74,057,414, G>C. VCF-style: chr7-74057414-G-C. GRCh37 (hg19) VCF-style: chr7-73471744-G-C.
Other names: c.1390G>C, p.Val464Leu (NM_001278939.2); c.1373-226G>C (NM_001081754.3); c.1372+701G>C (NM_001081753.3); c.1358-226G>C (NM_001278915.2, NM_001278912.2); c.1357+701G>C (NM_001081755.3); c.1315+701G>C (NM_001278916.2); c.1171+701G>C (NM_001278913.2); c.1342+701G>C (NM_001278914.2); and 3 more; short protein forms V464L.
Identifiers: ClinVar variation 3389639 (VCV003389639.14).
Genomic context (GRCh38, chr7:74,057,414, plus strand): 5'-CAAGGCTGAAAGTTCTCCACTCCCCGAGGTGCTGCAGGAGCAGGAGTGCTGGGTGGGCTA[G>C]TGCCAGGTGCCCCAGGCGCAGTCCCAGGTGTGCCGGGCACGGGAGGAGTGCCAGGTGAGC-3'

ClinVar aggregate classification (germline): Uncertain significance (1 of 4 stars; one submission).

gnomAD v4.1: 1 of 1,514,560 alleles (0.000066%); highest among the groups gnomAD compares: South Asian, 0.0013%; no homozygotes.

Submission:

CeGaT Center for Human Genetics Tuebingen
Classification: Uncertain significance. Last evaluated: 2024-09-01. Review status: criteria provided, single submitter. Criteria: CeGaT Center For Human Genetics Tuebingen Variant Classification Criteria Version 2. Collection method: clinical testing. Allele origin: germline. Affected: yes. Observed: 1 variant allele.
Comment: ELN: PM2, BP4